The following is an entry in ClinVar:

NM_000334.4(SCN4A):c.2146G>A (p.Val716Met)

Genes: GH-LCR (growth hormone locus control region; plus strand), SCN4A (sodium voltage-gated channel alpha subunit 4; minus strand). Cytogenetic location: 17q23.3.
Variant type: single nucleotide variant.
Coding change: c.2146G>A on transcript NM_000334.4 (MANE Select); coding-DNA position 2146, G replaced by A.
Protein change: p.Val716Met; replaces valine 716 with methionine.
Molecular consequence: missense variant.
Genome position (GRCh38, 1-based): chr17:63,957,392, C>T on the plus strand (G>A on the coding strand, the complement: SCN4A is on the minus strand). VCF-style: chr17-63957392-C-T. GRCh37 (hg19) VCF-style: chr17-62034752-C-T.
Other names: short protein forms V716M.
Identifiers: ClinVar variation 1063684 (VCV001063684.11), dbSNP rs773527089, ClinGen allele CA8709650.

ClinVar aggregate classification (germline): Uncertain significance. Review status: criteria provided, multiple submitters, no conflicts (2 of 4 stars). 2 submissions from 2 submitters: Uncertain significance (2). Last evaluated 2024-10-29.

Conditions:
Hyperkalemic periodic paralysis. Also called: Familial hyperkalemic periodic paralysis; Gamstorp disease. Identifiers: Orphanet 682, MedGen C0238357, MONDO:0008224, OMIM 170500, HP:0007215.

Allele frequency attached by ClinVar (database versions not stated): ExAC 0.00001; TOPMed 0.00001; gnomAD 0.00002; gnomAD exomes 0.00002.
gnomAD v4.1: 25 of 1,613,990 alleles (0.0015%); highest among the groups gnomAD compares: Middle Eastern, 0.016%; no homozygotes.

Submissions (2):

Labcorp Genetics (formerly Invitae), Labcorp
Classification: Uncertain significance for Hyperkalemic periodic paralysis. Last evaluated: 2024-10-29. Review status: criteria provided, single submitter. Criteria: Invitae Variant Classification Sherloc (09022015). Collection method: clinical testing. Allele origin: germline.
Comment: This sequence change replaces valine, which is neutral and non-polar, with methionine, which is neutral and non-polar, at codon 716 of the SCN4A protein (p.Val716Met). This variant is present in population databases (rs773527089, gnomAD 0.01%). This variant has not been reported in the literature in individuals affected with SCN4A-related conditions. ClinVar contains an entry for this variant (Variation ID: 1063684). Invitae Evidence Modeling of protein sequence and biophysical properties (such as structural, functional, and spatial information, amino acid conservation, physicochemical variation, residue mobility, and thermodynamic stability) indicates that this missense variant is expected to disrupt SCN4A protein function with a positive predictive value of 80%. In summary, the available evidence is currently insufficient to determine the role of this variant in disease. Therefore, it has been classified as a Variant of Uncertain Significance.

GeneDx
Classification: Uncertain significance. Last evaluated: 2022-03-09. Review status: criteria provided, single submitter. Criteria: GeneDx Variant Classification Process June 2021. Collection method: clinical testing. Allele origin: germline. Affected: yes.
Comment: Has not been previously published as pathogenic or benign to our knowledge; In silico analysis supports that this missense variant has a deleterious effect on protein structure/function